The following is an entry in ClinVar:

NM_000256.3(MYBPC3):c.2792T>G (p.Val931Gly)

Gene: MYBPC3 (myosin binding protein C3; minus strand). Cytogenetic location: 11p11.2.
Variant type: single nucleotide variant.
Coding change: c.2792T>G on transcript NM_000256.3 (MANE Select); coding-DNA position 2792, T replaced by G.
Protein change: p.Val931Gly; replaces valine 931 with glycine.
Molecular consequence: missense variant.
Genome position (GRCh38, 1-based): chr11:47,335,155, A>C on the plus strand (T>G on the coding strand, the complement: MYBPC3 is on the minus strand). VCF-style: chr11-47335155-A-C. GRCh37 (hg19) VCF-style: chr11-47356706-A-C.
Other names: short protein forms V931G.
Identifiers: ClinVar variation 3230880 (VCV003230880.1), dbSNP rs2495744544, ClinGen allele CA380316534.
Genomic context (GRCh38, chr11:47,335,155, plus strand): 5'-CCTGCCATATTGTGTGCCCGCACTCGGAAAAGCAGCCGGGCCCCCGTGGGCAGGTCCTTC[A>C]CCAGTATCGATGTGTGCTCTGTCAGCCCCTGCAGGGCAGCCACCCACTCTGAGCCTGGGG-3'
Protein context (NP_000247.2, residues 921-941): QGLTEHTSIL[Val931Gly]KDLPTGARLL

ClinVar aggregate classification (germline): Uncertain significance (1 of 4 stars; one submission).

Conditions:
Cardiovascular phenotype. Identifiers: MedGen CN230736.

Submission:

Ambry Genetics
Classification: Uncertain significance for Cardiovascular phenotype. Last evaluated: 2023-12-12. Review status: criteria provided, single submitter. Criteria: Ambry Variant Classification Scheme 2023. Collection method: clinical testing. Allele origin: germline.
Comment: The p.V931G variant (also known as c.2792T>G), located in coding exon 27 of the MYBPC3 gene, results from a T to G substitution at nucleotide position 2792. The valine at codon 931 is replaced by glycine, an amino acid with dissimilar properties. This amino acid position is conserved. In addition, this alteration is predicted to be deleterious by in silico analysis. Since supporting evidence is limited at this time, the clinical significance of this alteration remains unclear.